The following is an entry in ClinVar:

ClinVar aggregate classification (germline): Uncertain significance. Review status: criteria provided, multiple submitters, no conflicts (2 of 4 stars). 2 submissions from 2 submitters: Uncertain significance (2). Last evaluated 2023-12-19.

Conditions:
Hypertrophic cardiomyopathy. Also called: HYPERTROPHIC MYOCARDIOPATHY. Identifiers: Orphanet 217569, MedGen C0007194, MeSH D002312, MONDO:0005045, HP:0001639.

Allele frequency attached by ClinVar (database versions not stated): gnomAD exomes below 0.00001.
gnomAD v4.1: 2 of 1,613,494 alleles (0.00012%); highest among the groups gnomAD compares: Admixed American, 0.0033%; no homozygotes.

Submissions (2):

Labcorp Genetics (formerly Invitae), Labcorp
Classification: Uncertain significance for Hypertrophic cardiomyopathy. Last evaluated: 2023-12-19. Review status: criteria provided, single submitter. Criteria: Invitae Variant Classification Sherloc (09022015). Collection method: clinical testing. Allele origin: germline.
Comment: This sequence change replaces glutamic acid, which is acidic and polar, with glycine, which is neutral and non-polar, at codon 315 of the JPH2 protein (p.Glu315Gly). This variant is present in population databases (no rsID available, gnomAD 0.003%). This variant has not been reported in the literature in individuals affected with JPH2-related conditions. ClinVar contains an entry for this variant (Variation ID: 432613). An algorithm developed to predict the effect of missense changes on protein structure and function (PolyPhen-2) suggests that this variant is likely to be disruptive. In summary, the available evidence is currently insufficient to determine the role of this variant in disease. Therefore, it has been classified as a Variant of Uncertain Significance.

GeneDx
Classification: Uncertain significance. Last evaluated: 2017-06-13. Review status: criteria provided, single submitter. Criteria: GeneDx Variant Classification (06012015). Collection method: clinical testing. Allele origin: germline. Affected: yes.
Comment: A variant of uncertain significance has been identified in the JPH2 gene. The E315G variant has not been published as pathogenic or been reported as benign to our knowledge. This variant is not observed in large population cohorts (Lek et al., 2016; 1000 Genomes Consortium et al., 2015; Exome Variant Server). The E315G variant is a non-conservative amino acid substitution, which is likely to impact secondary protein structure as these residues differ in polarity, charge, size and/or other properties. This substitution occurs at a position that is conserved across species. In silico analysis predicts this variant is probably damaging to the protein structure/function. However, this variant lacks observation in a significant number of affected individuals, segregation data, and functional evidence, which would further clarify its pathogenicity.

NM_020433.5(JPH2):c.944A>G (p.Glu315Gly)

Gene: JPH2 (junctophilin 2; minus strand). Cytogenetic location: 20q13.12.
Variant type: single nucleotide variant.
Coding change: c.944A>G on transcript NM_020433.5 (MANE Select); coding-DNA position 944, A replaced by G.
Protein change: p.Glu315Gly; replaces glutamic acid 315 with glycine.
Molecular consequence: missense variant.
Genome position (GRCh38, 1-based): chr20:44,159,843, T>C on the plus strand (A>G on the coding strand, the complement: JPH2 is on the minus strand). VCF-style: chr20-44159843-T-C. GRCh37 (hg19) VCF-style: chr20-42788483-T-C.
Other names: short protein forms E315G.
Identifiers: ClinVar variation 432613 (VCV000432613.6), dbSNP rs1339779323, ClinGen allele CA409093336.